The following is an entry in ClinVar:

ClinVar aggregate classification (germline): Pathogenic/Likely pathogenic. Review status: criteria provided, multiple submitters, no conflicts (2 of 4 stars). 7 submissions from 7 submitters: Pathogenic (5); Likely pathogenic (1). 1 of the submissions does not count toward it. Last evaluated 2026-07-24.

Conditions:
Sanfilippo syndrome. Also called: Sanfilippo disease; Mucopolysaccharidosis type 3; Mucopolysaccharidosis Type III. Identifiers: Orphanet 581, MedGen C0026706, MONDO:0018937.
Mucopolysaccharidosis, MPS-III-C (MPS3C). Also called: mucopolysaccharidosis type 3C; MUCOPOLYSACCHARIDOSIS, TYPE IIIC; Mucopolysaccharidosis type IIIC (Sanfilippo C); SANFILIPPO SYNDROME C; MPS IIIC (Sanfilippo Syndrome Type C); MPS III C. Identifiers: Orphanet 581, Orphanet 79271, MedGen C0086649, MONDO:0009657, OMIM 252930.
Retinitis pigmentosa 73 (RP73). Identifiers: Orphanet 791, MedGen C4225287, MONDO:0014687, OMIM 616544.
Mucopolysaccharidosis. Also called: Mucopolysaccharidoses. Identifiers: Orphanet 79213, MedGen C0026703, MeSH D009083, MONDO:0019249.

Allele frequency attached by ClinVar (database versions not stated): TOPMed 0.00001; ESP Exome Variant Server 0.00008.

Submissions (7):

GeneDx
Classification: Pathogenic. Last evaluated: 2026-07-24. Review status: criteria provided, single submitter. Criteria: GeneDx Variant Classification Process June 2021. Collection method: clinical testing. Allele origin: germline.
Comment: Published functional studies demonstrate a damaging effect on enzymatic activity, processing, cellular localization, and expression (PMID: 31228227); Not observed at significant frequency in large population cohorts (gnomAD); In silico analysis supports that this missense variant has a deleterious effect on protein structure/function; This variant is associated with the following publications: (PMID: 27827379, 28097321, 31228227)

Natera, Inc.
Classification: Likely pathogenic for Mucopolysaccharidosis type IIIC. Last evaluated: 2025-01-08. Review status: criteria provided, single submitter. Criteria: Natera Variant Classification Schema (03/2026). Collection method: clinical testing. Allele origin: germline.
Comment: The c.518G>A variant in HGSNAT is a missense variant predicted to cause substitution of glycine to aspartic acid at amino acid 173. This variant is rare in the general population with a frequency below the threshold expected for the associated phenotype(s). This variant has been observed in one or more individuals affected with the associated recessive disease, as either homozygous or compound heterozygous with a second variant (PMID: 28097321, 27827379, 31228227). This variant has been observed to segregate in affected family members (PMID: 28097321, 27827379). Computational prediction algorithms indicate this variant is likely to affect gene or protein function. Given the available evidence, this variant is classified as Likely Pathogenic.

Labcorp Genetics (formerly Invitae), Labcorp
Classification: Pathogenic for Retinitis pigmentosa 73; Mucopolysaccharidosis, MPS-III-C. Last evaluated: 2024-10-22. Review status: criteria provided, single submitter. Criteria: Invitae Variant Classification Sherloc (09022015). Collection method: clinical testing. Allele origin: germline.
Comment: This sequence change replaces glycine, which is neutral and non-polar, with aspartic acid, which is acidic and polar, at codon 173 of the HGSNAT protein (p.Gly173Asp). This variant is not present in population databases (gnomAD no frequency). This missense change has been observed in individual(s) with mucopolysaccharidosis type III (PMID: 27827379, 31228227). In at least one individual the data is consistent with being in trans (on the opposite chromosome) from a pathogenic variant. It has also been observed to segregate with disease in related individuals. ClinVar contains an entry for this variant (Variation ID: 252961). Invitae Evidence Modeling of protein sequence and biophysical properties (such as structural, functional, and spatial information, amino acid conservation, physicochemical variation, residue mobility, and thermodynamic stability) has been performed for this missense variant. However, the output from this modeling did not meet the statistical confidence thresholds required to predict the impact of this variant on HGSNAT protein function. Experimental studies have shown that this missense change affects HGSNAT function (PMID: 31228227). For these reasons, this variant has been classified as Pathogenic.

Women's Health and Genetics/Laboratory Corporation of America, LabCorp
Classification: Pathogenic for Sanfilippo syndrome. Last evaluated: 2024-07-30. Review status: criteria provided, single submitter. Criteria: LabCorp Variant Classification Summary - May 2015. Collection method: clinical testing. Allele origin: germline.
Comment: Variant summary: HGSNAT c.518G>A (p.Gly173Asp) results in a non-conservative amino acid change in the encoded protein sequence. Two of four in-silico tools predict a benign effect of the variant on protein function. The variant was absent in 247464 control chromosomes. c.518G>A has been reported in the literature in compound heterozygous and homozygous individuals affected with Mucopolysaccharidosis Type IIIC (Sanfilippo Syndrome C) (e.g. Hu_2017, Martins_2019). These data indicate that the variant is likely to be associated with disease. At least one publication reports experimental evidence evaluating an impact on protein function. The most pronounced variant effect results in severely reduced enzyme activity in vitro and in homozygous patient fibroblasts (e.g. Hu_2017, Martins_2019). The following publications have been ascertained in the context of this evaluation (PMID: 27827379, 31228227). ClinVar contains an entry for this variant (Variation ID: 252961). Based on the evidence outlined above, the variant was classified as pathogenic.

Institute of Human Genetics, University of Leipzig Medical Center
Classification: Pathogenic for Mucopolysaccharidosis, MPS-III-C. Last evaluated: 2020-03-01. Review status: criteria provided, single submitter. Criteria: ACMG Guidelines, 2015. Collection method: clinical testing. Allele origin: biparental. Inheritance: Autosomal recessive inheritance. Affected: yes.
Comment: Review of the variants reported in Reuter et al., 2017, PMID: 28097321: PS3,PM2,PM3_Strong

Charité Universitätsmedizin Berlin, Charite Universitaetsmedizin Berlin
Classification: Pathogenic for Mucopolysaccharidosis, MPS-III-C. Last evaluated: 2016-08-03. Review status: criteria provided, single submitter. Criteria: ACMG Guidelines, 2015. Collection method: clinical testing, in vitro. Allele origin: inherited, not applicable. Inheritance: Autosomal recessive inheritance. Affected: yes. Observed: 2 variant alleles, 2 homozygotes. Clinical features observed: Hirsutism, Bowel incontinence, Urinary incontinence, Global developmental delay, Intellectual disability, Profound intellectual disability, Memory impairment, Loss of speech, Brain atrophy, Facial diplegia, Unsteady gait, Babinski sign, and 19 more.
Comment: The effect of the mutation has been verified by a biochemical assay in one affected (homozygous) patient: measurement of Heparan-alpha-glucosaminide-N-acetyltransferase activity. Patient: 0.09 nmol/h*mg; controls 0.2-1.3 nmol/h*mg, n=11

GeneReviews
No classification provided. Condition: Mucopolysaccharidosis. Review status: no classification provided. Collection method: literature only. Allele origin: germline. Not counted in ClinVar's aggregate classification.

Literature cited by the submitters: PubMed 28097321 (cited by Natera, Inc.); PubMed 27827379 (cited by 4 submitters); PubMed 31228227 (cited by 3 submitters); PubMed 31536183 (cited by GeneReviews).

NM_152419.3(HGSNAT):c.518G>A (p.Gly173Asp)

Gene: HGSNAT (heparan-alpha-glucosaminide N-acetyltransferase; plus strand). Cytogenetic location: 8p11.21.
Variant type: single nucleotide variant.
Coding change: c.518G>A on transcript NM_152419.3 (MANE Select); coding-DNA position 518, G replaced by A.
Protein change: p.Gly173Asp; replaces glycine 173 with aspartic acid.
Molecular consequence: missense variant. On other transcripts: 5 prime UTR variant (1).
Genome position (GRCh38, 1-based): chr8:43,161,462, G>A. VCF-style: chr8-43161462-G-A. GRCh37 (hg19) VCF-style: chr8-43016605-G-A.
Other names: c.518G>A, p.Gly173Asp (NM_001363227.2, NM_001363228.2); c.-316G>A (NM_001363229.2); short protein forms G173D.
Identifiers: ClinVar variation 252961 (VCV000252961.13), dbSNP rs370717845, ClinGen allele CA10586138.